The following is an entry in ClinVar:

NM_001384474.1(LOXHD1):c.1190G>A (p.Trp397Ter)

Gene: LOXHD1 (lipoxygenase homology PLAT domains 1; minus strand). Cytogenetic location: 18q21.1.
Variant type: single nucleotide variant.
Coding change: c.1190G>A on transcript NM_001384474.1 (MANE Select); coding-DNA position 1190, G replaced by A.
Protein change: p.Trp397Ter; replaces tryptophan 397 with a stop codon.
Molecular consequence: nonsense.
Genome position (GRCh38, 1-based): chr18:46,594,411, C>T on the plus strand (G>A on the coding strand, the complement: LOXHD1 is on the minus strand). VCF-style: chr18-46594411-C-T. GRCh37 (hg19) VCF-style: chr18-44174374-C-T.
Other names: c.1190G>A, p.Trp397Ter (NM_144612.7); short protein forms W397*.
Identifiers: ClinVar variation 1724064 (VCV001724064.2), dbSNP rs1037619437, ClinGen allele CA299804257.

ClinVar aggregate classification (germline): Likely pathogenic (1 of 4 stars; one submission).

Conditions:
Autosomal recessive nonsyndromic hearing loss 77. Identifiers: Orphanet 90636, MedGen C2746083, MONDO:0013119, OMIM 613079.

Allele frequency attached by ClinVar (database versions not stated): gnomAD 0.00001; TOPMed 0.00002.
gnomAD v4.1: 1 of 1,551,564 alleles (0.000064%); highest among the groups gnomAD compares: African/African-American, 0.0014%; no homozygotes.

Submission:

Myriad Genetics, Inc.
Classification: Likely pathogenic for Autosomal recessive nonsyndromic hearing loss 77. Last evaluated: 2022-01-24. Review status: criteria provided, single submitter. Criteria: Myriad Women's Health Autosomal Recessive and X-Linked Classification Criteria (2021). Collection method: clinical testing. Allele origin: unknown.
Comment: NM_144612.6(LOXHD1):c.1190G>A(W397*) is expected to be pathogenic in the context of LOXHD1-related DFNB77 hearing loss and deafness. This variant is predicted to lead to an abnormal or absent protein product due to the creation of a premature termination codon in LOXHD1, a gene where loss-of-function variants are known to be pathogenic. Please note: this variant was assessed in the context of healthy population screening.